The following is an entry in ClinVar:

NM_138636.5(TLR8):c.2344G>T (p.Asp782Tyr)

Genes: TLR8 (toll like receptor 8; plus strand), TLR8-AS1 (TLR8 antisense RNA 1; minus strand). Cytogenetic location: Xp22.2.
Variant type: single nucleotide variant.
Coding change: c.2344G>T on transcript NM_138636.5 (MANE Select); coding-DNA position 2344, G replaced by T.
Protein change: p.Asp782Tyr; replaces aspartic acid 782 with tyrosine.
Molecular consequence: missense variant.
Genome position (GRCh38, 1-based): chrX:12,921,384, G>T. VCF-style: chrX-12921384-G-T. GRCh37 (hg19) VCF-style: chrX-12939503-G-T.
Other names: c.2398G>T, p.Asp800Tyr (NM_016610.4); short protein forms D782Y, D800Y.
Identifiers: ClinVar variation 4595640 (VCV004595640.1).
Genomic context (GRCh38, chrX:12,921,384, plus strand): 5'-ACCAAATTATCTATGTTGGAACTACACGGAAACCCCTTTGAATGCACCTGTGACATTGGA[G>T]ATTTCCGAAGATGGATGGATGAACATCTGAATGTCAAAATTCCCAGACTGGTAGATGTCA-3'
Protein context (NP_619542.1, residues 772-792): NPFECTCDIG[Asp782Tyr]FRRWMDEHLN

ClinVar aggregate classification (germline): Uncertain significance (1 of 4 stars; one submission).

Submission:

Ambry Genetics
Classification: Uncertain significance. Last evaluated: 2025-10-29. Review status: criteria provided, single submitter. Criteria: Ambry Variant Classification Scheme 2023. Collection method: clinical testing. Allele origin: germline.
Comment: The c.2344G>T (p.D782Y) alteration is located in exon 2 (coding exon 2) of the TLR8 gene. This alteration results from a G to T substitution at nucleotide position 2344, causing the aspartic acid (D) at amino acid position 782 to be replaced by a tyrosine (Y). Based on data from gnomAD, the T allele has an overall frequency of <0.001% (1/182925) total alleles studied. The highest observed frequency was 0.008% (1/13160) of African alleles. Based on insufficient or conflicting evidence, the clinical significance of this alteration remains unclear.